The following is an entry in ClinVar:

NM_004336.5(BUB1):c.8C>T (p.Thr3Ile)

Gene: BUB1 (BUB1 mitotic checkpoint serine/threonine kinase; minus strand). Cytogenetic location: 2q13.
Variant type: single nucleotide variant.
Coding change: c.8C>T on transcript NM_004336.5 (MANE Select); coding-DNA position 8, C replaced by T.
Protein change: p.Thr3Ile; replaces threonine 3 with isoleucine.
Molecular consequence: missense variant.
Genome position (GRCh38, 1-based): chr2:110,677,988, G>A on the plus strand (C>T on the coding strand, the complement: BUB1 is on the minus strand). VCF-style: chr2-110677988-G-A. GRCh37 (hg19) VCF-style: chr2-111435565-G-A.
Other names: c.8C>T, p.Thr3Ile (NM_001278616.2, NM_001278617.2); short protein forms T3I.
Identifiers: ClinVar variation 1765421 (VCV001765421.5), dbSNP rs781298295, ClinGen allele CA1828497.

ClinVar aggregate classification (germline): Uncertain significance. Review status: criteria provided, multiple submitters, no conflicts (2 of 4 stars). 2 submissions from 2 submitters: Uncertain significance (2). Last evaluated 2025-12-08.

gnomAD v4.1: 96 of 1,608,798 alleles (0.006%); highest among the groups gnomAD compares: Non-Finnish European, 0.0078%; no homozygotes.

Submissions (2):

Labcorp Genetics (formerly Invitae), Labcorp
Classification: Uncertain significance. Last evaluated: 2025-12-08. Review status: criteria provided, single submitter. Criteria: Invitae Variant Classification Sherloc (09022015). Collection method: clinical testing. Allele origin: germline.
Comment: This sequence change replaces threonine, which is neutral and polar, with isoleucine, which is neutral and non-polar, at codon 3 of the BUB1 protein (p.Thr3Ile). The frequency data for this variant in the population databases is considered unreliable, as metrics indicate poor data quality at this position in the gnomAD database. This variant has not been reported in the literature in individuals affected with BUB1-related conditions. ClinVar contains an entry for this variant (Variation ID: 1765421). Experimental studies and prediction algorithms are not available or were not evaluated, and the functional significance of this variant is currently unknown. In summary, the available evidence is currently insufficient to determine the role of this variant in disease. Therefore, it has been classified as a Variant of Uncertain Significance.

Ambry Genetics
Classification: Uncertain significance. Last evaluated: 2024-09-06. Review status: criteria provided, single submitter. Criteria: Ambry Variant Classification Scheme 2023. Collection method: clinical testing. Allele origin: germline.
Comment: The p.T3I variant (also known as c.8C>T), located in coding exon 1 of the BUB1 gene, results from a C to T substitution at nucleotide position 8. The threonine at codon 3 is replaced by isoleucine, an amino acid with similar properties. This amino acid position is conserved. In addition, this alteration is predicted to be tolerated by in silico analysis. Since supporting evidence is limited at this time, the clinical significance of this alteration remains unclear.